The following is an entry in ClinVar:

ClinVar aggregate classification (germline): Conflicting classifications of pathogenicity. Review status: criteria provided, conflicting classifications (1 of 4 stars). 10 submissions from 10 submitters: Uncertain significance (8); Likely benign (2). Last evaluated 2025-12-16.

Conditions:
BRCA1-related cancer predisposition. Identifiers: MedGen CN377757, MONDO:0700268.
Familial cancer of breast. Also called: BREAST CANCER, FAMILIAL; Hereditary breast cancer; hereditary breast carcinoma. Identifiers: Orphanet 227535, MedGen C0346153, MONDO:0016419, OMIM 114480. Disease mechanism: loss of function.
Hereditary cancer-predisposing syndrome. Also called: Tumor predisposition; Hereditary Cancer Syndrome; Hereditary neoplastic syndrome; Neoplastic Syndromes, Hereditary. Identifiers: Orphanet 140162, MedGen C0027672, MeSH D009386, MONDO:0015356.
Hereditary breast ovarian cancer syndrome. Also called: Breast and ovarian cancer; Hereditary breast and ovarian cancer; Hereditary breast and/or ovarian cancer syndrome; BRCA1- and BRCA2-Associated Hereditary Breast and Ovarian Cancer; Hereditary breast and ovarian cancer syndrome (HBOC); Hereditary breast and ovarian cancer syndrome. Identifiers: Orphanet 145, MedGen C0677776, MeSH D061325, MONDO:0003582. Disease mechanism: loss of function.

Allele frequency attached by ClinVar (database versions not stated): gnomAD exomes 0.00001 and 0.00002; ExAC 0.00002; TOPMed 0.00002.
gnomAD v4.1: 11 of 1,614,032 alleles (0.00068%); highest among the groups gnomAD compares: Non-Finnish European, 0.00093%; no homozygotes.

Submissions (10):

Labcorp Genetics (formerly Invitae), Labcorp
Classification: Uncertain significance for Hereditary breast ovarian cancer syndrome. Last evaluated: 2025-12-16. Review status: criteria provided, single submitter. Criteria: Invitae Variant Classification Sherloc (09022015). Collection method: clinical testing. Allele origin: germline.
Comment: This sequence change replaces aspartic acid, which is acidic and polar, with glutamic acid, which is acidic and polar, at codon 936 of the BRCA1 protein (p.Asp936Glu). This variant is present in population databases (rs730881485, gnomAD 0.002%). This missense change has been observed in individual(s) with ovarian cancer (PMID: 24504028). ClinVar contains an entry for this variant (Variation ID: 182149). Invitae Evidence Modeling of protein sequence and biophysical properties (such as structural, functional, and spatial information, amino acid conservation, physicochemical variation, residue mobility, and thermodynamic stability) indicates that this missense variant is not expected to disrupt BRCA1 protein function with a negative predictive value of 80%. In summary, the available evidence is currently insufficient to determine the role of this variant in disease. Therefore, it has been classified as a Variant of Uncertain Significance.

Ambry Genetics
Classification: Uncertain significance for Hereditary cancer-predisposing syndrome. Last evaluated: 2025-08-21. Review status: criteria provided, single submitter. Criteria: Ambry Variant Classification Scheme 2023. Collection method: clinical testing. Allele origin: germline.
Comment: The p.D936E variant (also known as c.2808T>G), located in coding exon 9 of the BRCA1 gene, results from a T to G substitution at nucleotide position 2808. The aspartic acid at codon 936 is replaced by glutamic acid, an amino acid with highly similar properties. This alteration has been identified in an individual diagnosed with epithelial ovarian cancer (Cunningham J et al. Sci Rep 2014 Feb;4:4026). This alteration was also detected in a cohort of patients undergoing genetic assessment at a hereditary breast and ovarian cancer center (Chapman-Davis E et al. J Gen Intern Med, 2021 Jan;36:35-42). This amino acid position is poorly conserved in available vertebrate species. In addition, this alteration is predicted to be tolerated by in silico analysis. Based on the available evidence, the clinical significance of this variant remains unclear.

Center for Genomic Medicine, Rigshospitalet, Copenhagen University Hospital
Classification: Uncertain significance. Last evaluated: 2025-03-04. Review status: criteria provided, single submitter. Criteria: ACMG Guidelines, 2015. Collection method: clinical testing. Allele origin: germline.

All of Us Research Program, National Institutes of Health
Classification: Uncertain significance for BRCA1-related cancer predisposition. Last evaluated: 2024-03-14. Review status: criteria provided, single submitter. Criteria: ACMG Guidelines, 2015. Collection method: clinical testing. Allele origin: germline. Inheritance: Autosomal dominant inheritance. Observed: 3 variant alleles, 3 heterozygotes.
Comment: This missense variant replaces aspartic acid with glutamic acid at codon 936 of the BRCA1 protein. Computational prediction suggests that this variant may not impact protein structure and function (internally defined REVEL score threshold <= 0.5, PMID: 27666373). To our knowledge, functional studies have not been reported for this variant. This variant has been reported in an individual affected with ovarian cancer (PMID: 24504028) and in a suspected hereditary breast and ovarian family (PMID: 32720237). This variant also has been detected in a breast cancer case-control meta-analysis in 1/60466 cases and 0/53461 unaffected individuals (PMID: 33471991; Leiden Open Variation Database DB-ID BRCA1_005991). This variant has been identified in 5/251214 chromosomes in the general population by the Genome Aggregation Database (gnomAD). The available evidence is insufficient to determine the role of this variant in disease conclusively. Therefore, this variant is classified as a Variant of Uncertain Significance.

This study involves interpretation of variants in research participants for the purpose of population health screening. Participant phenotype was not available at the time of variant classification. Additional details can be found in publication PMID: 35346344, PMCID: PMC8962531

MGZ Medical Genetics Center
Classification: Likely benign for Familial cancer of breast. Last evaluated: 2024-02-09. Review status: criteria provided, single submitter. Criteria: CSpec BRCA1/2ACMG Rules Specifications V1.1.0. Collection method: clinical testing. Allele origin: germline. Affected: yes.
Comment: ACMG codes applied following ENIGMA VCEP rules: BP1_STR

Color Diagnostics, LLC DBA Color Health
Classification: Uncertain significance for Hereditary cancer-predisposing syndrome. Last evaluated: 2023-10-10. Review status: criteria provided, single submitter. Criteria: ACMG Guidelines, 2015. Collection method: clinical testing. Allele origin: germline.
Comment: This missense variant replaces aspartic acid with glutamic acid at codon 936 of the BRCA1 protein. Computational prediction suggests that this variant may not impact protein structure and function (internally defined REVEL score threshold <= 0.5, PMID: 27666373). To our knowledge, functional studies have not been reported for this variant. This variant has been reported in an individual affected with ovarian cancer (PMID: 24504028) and in a suspected hereditary breast and ovarian family (PMID: 32720237). This variant also has been detected in a breast cancer case-control meta-analysis in 1/60466 cases and 0/53461 unaffected individuals (PMID: 33471991; Leiden Open Variation Database DB-ID BRCA1_005991). This variant has been identified in 5/251214 chromosomes in the general population by the Genome Aggregation Database (gnomAD). The available evidence is insufficient to determine the role of this variant in disease conclusively. Therefore, this variant is classified as a Variant of Uncertain Significance.

Quest Diagnostics Nichols Institute San Juan Capistrano
Classification: Uncertain significance. Last evaluated: 2023-03-31. Review status: criteria provided, single submitter. Criteria: Quest Diagnostics criteria. Collection method: clinical testing. Allele origin: unknown.
Comment: The frequency of this variant in the general population, 0.000026 (3/113542 chromosomes), is uninformative in assessment of its pathogenicity. In the published literature, this variant has been reported in one or more individuals with ovarian cancer (PMID: 24504028 (2014)) and breast cancer (PMID: 33471991 (2021); LOVD3 Shared). Analysis of this variant using bioinformatics tools for the prediction of the effect of amino acid changes on protein structure and function yielded predictions that this variant is benign. Based on the available information, we are unable to determine the clinical significance of this variant.

University of Washington Department of Laboratory Medicine, University of Washington
Classification: Likely benign for Hereditary cancer-predisposing syndrome. Last evaluated: 2023-03-23. Review status: criteria provided, single submitter. Criteria: Dines et al. (Genet Med. 2020). Collection method: curation. Allele origin: germline.
Comment: Missense variant in a coldspot region where missense variants are very unlikely to be pathogenic (PMID:31911673).

BRCA1 coldspot (exon 11 using historical exon numbering). Reclassification based on statistical prior probability

GeneDx
Classification: Uncertain significance. Last evaluated: 2017-09-12. Review status: criteria provided, single submitter. Criteria: GeneDx Variant Classification (06012015). Collection method: clinical testing. Allele origin: germline. Affected: yes.
Comment: This variant is denoted BRCA1 c.2808T>G at the cDNA level, p.Asp936Glu (D936E) at the protein level, and results in the change of an Aspartic Acid to a Glutamic Acid (GAT>GAG). Using alternate nomenclature, this variant would be defined as BRCA1 2927T>G. This variant was observed in at least one individual with a personal history of ovarian cancer (Cunningham 2014). BRCA1 Asp936Glu was not observed at a significant allele frequency in large population cohorts (NHLBI Exome Sequencing Project, The 1000 Genomes Consortium 2015, Lek 2016). Since Aspartic Acid and Glutamic Acid share similar properties, this is considered a conservative amino acid substitution. BRCA1 Asp936Glu occurs at a position that is not conserved and is located in the DNA binding domain and region of interaction with RAD51 (Chen 1998, Narod 2004). In silico analyses predict that this variant is unlikely to alter protein structure or function. Based on currently available information, it is unclear whether BRCA1 Asp936Glu is a pathogenic or benign variant. We consider it to be a variant of uncertain significance.

Women's Health and Genetics/Laboratory Corporation of America, LabCorp
Classification: Uncertain significance. Last evaluated: 2016-10-28. Review status: criteria provided, single submitter. Criteria: LabCorp Variant Classification Summary - May 2015. Collection method: clinical testing. Allele origin: germline.
Comment: Variant summary: The BRCA1 c.2808T>G (p.Asp936Glu) variant involves the alteration of a non-conserved nucleotide. 4/4 in silico tools predict a benign outcome for this variant (SNPs&GO not captured due to low reliability index). This variant was found in 3/121384 control chromosomes at a frequency of 0.0000247, which does not exceed the estimated maximal expected allele frequency of a pathogenic BRCA1 variant (0.0010005). The variant has been reported in the literature in at least one affected individual (Cunningham_2014), without strong evidence for causality. In addition, one clinical diagnostic laboratories and a reputable database classified this variant as uncertain significance. Taken together, this variant is classified as VUS until additional information becomes available.

Literature cited by the submitters: PubMed 24504028 (cited by 6 submitters); PubMed 32720237 (cited by 3 submitters); PubMed 33471991 (cited by 3 submitters).

NM_007294.4(BRCA1):c.2808T>G (p.Asp936Glu)

Gene: BRCA1 (BRCA1 DNA repair associated; minus strand). Cytogenetic location: 17q21.31.
Variant type: single nucleotide variant.
Coding change: c.2808T>G on transcript NM_007294.4 (MANE Select); coding-DNA position 2808, T replaced by G.
Protein change: p.Asp936Glu; replaces aspartic acid 936 with glutamic acid.
Molecular consequence: missense variant. On other transcripts: intron variant (137).
Genome position (GRCh38, 1-based): chr17:43,092,723, A>C on the plus strand (T>G on the coding strand, the complement: BRCA1 is on the minus strand). VCF-style: chr17-43092723-A-C. GRCh37 (hg19) VCF-style: chr17-41244740-A-C.
Other names: p.D936E:GAT>GAG; c.2595T>G, p.Asp865Glu (NM_001407571.1, NM_001407853.1, NM_001407894.1 and 9 more transcripts); c.2808T>G, p.Asp936Glu (NM_001407581.1, NM_001407582.1, NM_001407583.1 and 30 more transcripts); c.2664T>G, p.Asp888Glu (NM_001407749.1, NM_001407838.1, NM_001407839.1 and 20 more transcripts); c.2667T>G, p.Asp889Glu (NM_001407750.1, NM_001407751.1, NM_001407752.1 and 29 more transcripts); c.2805T>G, p.Asp935Glu (NM_001407587.1, NM_001407590.1, NM_001407591.1 and 22 more transcripts); c.2607T>G, p.Asp869Glu (NM_001407862.1); c.2685T>G, p.Asp895Glu (NM_001407863.1, NM_001407648.1, NM_001407919.1 and 19 more transcripts); and 42 more; short protein forms D936E, D889E, D865E, D866E, D894E, D895E, D935E, D640E.
Identifiers: ClinVar variation 182149 (VCV000182149.38), dbSNP rs730881485, ClinGen allele CA001841.